The following is an entry in ClinVar:

NM_001042681.2(RERE):c.4260C>G (p.Phe1420Leu)

Gene: RERE (arginine-glutamic acid dipeptide repeats; minus strand). Cytogenetic location: 1p36.23.
Variant type: single nucleotide variant.
Coding change: c.4260C>G on transcript NM_001042681.2 (MANE Select); coding-DNA position 4260, C replaced by G.
Protein change: p.Phe1420Leu; replaces phenylalanine 1420 with leucine.
Molecular consequence: missense variant.
Genome position (GRCh38, 1-based): chr1:8,358,275, G>C on the plus strand (C>G on the coding strand, the complement: RERE is on the minus strand). VCF-style: chr1-8358275-G-C. GRCh37 (hg19) VCF-style: chr1-8418335-G-C.
Other names: c.2598C>G, p.Phe866Leu (NM_001042682.2); c.4260C>G, p.Phe1420Leu (NM_012102.4); short protein forms F1420L, F866L.
Identifiers: ClinVar variation 4072819 (VCV004072819.1).

ClinVar aggregate classification (germline): Uncertain significance (1 of 4 stars; one submission).

gnomAD v4.1: 1 of 1,613,702 alleles (0.000062%); highest among the groups gnomAD compares: Non-Finnish European, 0.000085%; no homozygotes.

Submission:

GeneDx
Classification: Uncertain significance. Last evaluated: 2025-02-03. Review status: criteria provided, single submitter. Criteria: GeneDx Variant Classification Process June 2021. Collection method: clinical testing. Allele origin: germline. Affected: yes.
Comment: Has not been previously published as pathogenic or benign to our knowledge; Not observed at significant frequency in large population cohorts (gnomAD); In silico analysis indicates that this missense variant does not alter protein structure/function.